The following is an entry in ClinVar:

ClinVar aggregate classification (germline): Uncertain significance (1 of 4 stars; one submission).

Conditions:
Hereditary cancer-predisposing syndrome. Also called: Neoplastic Syndromes, Hereditary; Tumor predisposition; Hereditary Cancer Syndrome; Hereditary neoplastic syndrome. Identifiers: Orphanet 140162, MedGen C0027672, MeSH D009386, MONDO:0015356.

gnomAD v4.1: 2 of 1,610,990 alleles (0.00012%); highest among the groups gnomAD compares: South Asian, 0.0011%; no homozygotes.

Submission:

Ambry Genetics
Classification: Uncertain significance for Hereditary cancer-predisposing syndrome. Last evaluated: 2024-11-12. Review status: criteria provided, single submitter. Criteria: Ambry Variant Classification Scheme 2023. Collection method: clinical testing. Allele origin: germline.
Comment: The p.G814V variant (also known as c.2441G>T), located in coding exon 14 of the RET gene, results from a G to T substitution at nucleotide position 2441. The glycine at codon 814 is replaced by valine, an amino acid with dissimilar properties. This amino acid position is not well conserved in available vertebrate species. In addition, the in silico prediction for this alteration is inconclusive. Based on the available evidence, the clinical significance of this variant remains unclear.

NM_020975.6(RET):c.2441G>T (p.Gly814Val)

Gene: RET (ret proto-oncogene; plus strand). Cytogenetic location: 10q11.21.
Variant type: single nucleotide variant.
Coding change: c.2441G>T on transcript NM_020975.6 (MANE Select); coding-DNA position 2441, G replaced by T.
Protein change: p.Gly814Val; replaces glycine 814 with valine.
Molecular consequence: missense variant.
Genome position (GRCh38, 1-based): chr10:43,119,579, G>T. VCF-style: chr10-43119579-G-T. GRCh37 (hg19) VCF-style: chr10-43615027-G-T.
Other names: c.1679G>T, p.Gly560Val (NM_001355216.2); c.2312G>T, p.Gly771Val (NM_001406761.1, NM_001406762.1, NM_001406764.1); c.2306G>T, p.Gly769Val (NM_001406763.1, NM_001406765.1); c.2441G>T, p.Gly814Val (NM_001406744.1, NM_001406743.1, NM_001406759.1 and 2 more transcripts); c.2153G>T, p.Gly718Val (NM_001406766.1, NM_001406767.1, NM_001406770.1); c.2177G>T, p.Gly726Val (NM_001406768.1); c.2045G>T, p.Gly682Val (NM_001406769.1, NM_001406772.1); c.2003G>T, p.Gly668Val (NM_001406771.1, NM_001406773.1); and 10 more; short protein forms G379V, G515V, G639V, G668V, G682V, G769V, G472V, G726V.
Identifiers: ClinVar variation 3432285 (VCV003432285.1).